The following is an entry in ClinVar:

NM_001136035.4(TRMT1):c.1086G>A (p.Ala362=)

Gene: TRMT1 (tRNA methyltransferase 1; minus strand). Cytogenetic location: 19p13.13.
Variant type: single nucleotide variant.
Coding change: c.1086G>A on transcript NM_001136035.4 (MANE Select); coding-DNA position 1086, G replaced by A.
Protein change: p.Ala362=; no amino-acid change (alanine 362 retained).
Molecular consequence: synonymous variant. On other transcripts: intron variant (2).
Genome position (GRCh38, 1-based): chr19:13,109,935, C>T on the plus strand (G>A on the coding strand, the complement: TRMT1 is on the minus strand). VCF-style: chr19-13109935-C-T. GRCh37 (hg19) VCF-style: chr19-13220749-C-T.
Other names: c.978G>A, p.Ala326= (NM_001351761.2); c.303G>A, p.Ala101= (NM_001351762.2); c.1086G>A, p.Ala362= (NM_017722.5); c.1020-97G>A (NM_001351760.2, NM_001142554.3).
Identifiers: ClinVar variation 779285 (VCV000779285.34), dbSNP rs117741379, ClinGen allele CA9237785.

ClinVar aggregate classification (germline): Benign. Review status: criteria provided, multiple submitters, no conflicts (2 of 4 stars). 3 submissions from 3 submitters: Benign (3). Last evaluated 2026-09-01.

Allele frequency attached by ClinVar (database versions not stated): 1000 Genomes Project 0.00280; 1000 Genomes Project 30x 0.00281; ExAC 0.00610; gnomAD exomes 0.00621; TOPMed 0.00624; gnomAD 0.00634 and 0.00654; ESP Exome Variant Server 0.00777.
gnomAD v4.1: 15,208 of 1,614,002 alleles (0.94%); highest among the groups gnomAD compares: Non-Finnish European, 1.2%; 95 homozygotes.

Submissions (3):

CeGaT Center for Human Genetics Tuebingen
Classification: Benign. Last evaluated: 2026-09-01. Review status: criteria provided, single submitter. Criteria: CeGaT Center For Human Genetics Tuebingen Variant Classification Criteria Version 2. Collection method: clinical testing. Allele origin: germline. Affected: yes. Observed: 48 variant alleles.
Comment: TRMT1: BP4, BP7, BS1, BS2

Labcorp Genetics (formerly Invitae), Labcorp
Classification: Benign. Last evaluated: 2019-12-31. Review status: criteria provided, single submitter. Criteria: Invitae Variant Classification Sherloc (09022015). Collection method: clinical testing. Allele origin: germline.

Breakthrough Genomics
Classification: Benign. Review status: criteria provided, single submitter. Criteria: ACMG Guidelines, 2015. Collection method: not provided. Allele origin: germline. Inheritance: Autosomal recessive inheritance. Affected: yes.